The following is an entry in ClinVar:

ClinVar aggregate classification (germline): Uncertain significance (1 of 4 stars; one submission).

Conditions:
Charcot-Marie-Tooth disease axonal type 2V. Also called: CHARCOT-MARIE-TOOTH NEUROPATHY, TYPE 2V; CHARCOT-MARIE-TOOTH DISEASE, AXONAL, AUTOSOMAL DOMINANT, TYPE 2V. Identifiers: Orphanet 447964, MedGen C5569050, MONDO:0014665, OMIM 616491.
Mucopolysaccharidosis, MPS-III-B (MPS3B). Also called: MPS IIIB (Sanfilippo Syndrome Type B); N-ACETYL-ALPHA-D-GLUCOSAMINIDASE DEFICIENCY; NAGLU DEFICIENCY; MUCOPOLYSACCHARIDOSIS, TYPE IIIB; Mucopolysaccharidosis type IIIB (Sanfilippo B); SANFILIPPO SYNDROME B. Identifiers: Orphanet 79270, MedGen C0086648, MONDO:0009656, OMIM 252920.

Submission:

Labcorp Genetics (formerly Invitae), Labcorp
Classification: Uncertain significance for Charcot-Marie-Tooth disease axonal type 2V; Mucopolysaccharidosis, MPS-III-B. Last evaluated: 2021-08-19. Review status: criteria provided, single submitter. Criteria: Invitae Variant Classification Sherloc (09022015). Collection method: clinical testing. Allele origin: germline.
Comment: This sequence change replaces isoleucine with valine at codon 287 of the NAGLU protein (p.Ile287Val). The isoleucine residue is weakly conserved and there is a small physicochemical difference between isoleucine and valine. This variant is not present in population databases (ExAC no frequency). This variant has not been reported in the literature in individuals affected with NAGLU-related conditions. Advanced modeling of protein sequence and biophysical properties (such as structural, functional, and spatial information, amino acid conservation, physicochemical variation, residue mobility, and thermodynamic stability) performed at Invitae indicates that this missense variant is not expected to disrupt NAGLU protein function. In summary, the available evidence is currently insufficient to determine the role of this variant in disease. Therefore, it has been classified as a Variant of Uncertain Significance.

NM_000263.4(NAGLU):c.859A>G (p.Ile287Val)

Gene: NAGLU (N-acetyl-alpha-glucosaminidase; plus strand). Cytogenetic location: 17q21.2.
Variant type: single nucleotide variant.
Coding change: c.859A>G on transcript NM_000263.4 (MANE Select); coding-DNA position 859, A replaced by G.
Protein change: p.Ile287Val; replaces isoleucine 287 with valine.
Molecular consequence: missense variant.
Genome position (GRCh38, 1-based): chr17:42,541,044, A>G. VCF-style: chr17-42541044-A-G. GRCh37 (hg19) VCF-style: chr17-40693062-A-G.
Other names: short protein forms I287V.
Identifiers: ClinVar variation 1370531 (VCV001370531.3), dbSNP rs2143098654, ClinGen allele CA399600055.
Genomic context (GRCh38, chr17:42,541,044, plus strand): 5'-AGTTGGGGCCACTTTAACTGTTCCTACTCCTGCTCCTTCCTTCTGGCTCCGGAAGACCCC[A>G]TATTCCCCATCATCGGGAGCCTCTTCCTGCGAGAGCTGATCAAAGAGTTTGGCACAGACC-3'
Protein context (NP_000254.2, residues 277-297): CSFLLAPEDP[Ile287Val]FPIIGSLFLR